The following is an entry in ClinVar:

ClinVar aggregate classification (germline): Uncertain significance (1 of 4 stars; one submission).

Conditions:
KLHL24-related disorder. Also called: KLHL24-related condition.

gnomAD v4.1: 3 of 1,613,724 alleles (0.00019%); highest among the groups gnomAD compares: African/African-American, 0.0027%; no homozygotes.

Submission:

PreventionGenetics, part of Exact Sciences
Classification: Uncertain significance for KLHL24-related condition. Last evaluated: 2026-03-05. Review status: criteria provided, single submitter. Criteria: ACMG Guidelines, 2015. Collection method: clinical testing. Allele origin: germline.
Comment: The KLHL24 c.1781A>G variant is predicted to result in the amino acid substitution p.Asn594Ser. To our knowledge, this variant has not been reported in the literature. This variant is reported in 0.0062% of alleles in individuals of African descent in gnomAD. At this time, the clinical significance of this variant is uncertain due to the absence of conclusive functional and genetic evidence.

NM_017644.3(KLHL24):c.1781A>G (p.Asn594Ser)

Gene: KLHL24 (kelch like family member 24; plus strand). Cytogenetic location: 3q27.1.
Variant type: single nucleotide variant.
Coding change: c.1781A>G on transcript NM_017644.3 (MANE Select); coding-DNA position 1781, A replaced by G.
Protein change: p.Asn594Ser; replaces asparagine 594 with serine.
Molecular consequence: missense variant. On other transcripts: non-coding transcript variant (2).
Genome position (GRCh38, 1-based): chr3:183,679,264, A>G. VCF-style: chr3-183679264-A-G. GRCh37 (hg19) VCF-style: chr3-183397052-A-G.
Other names: c.1856A>G, p.Asn619Ser (NM_001349413.1, NM_001349414.1, NM_001349415.1 and 3 more transcripts); c.1781A>G, p.Asn594Ser (NM_001349419.1, NM_001349420.1, NM_001349421.1 and 5 more transcripts); c.938A>G, p.Asn313Ser (NM_001349428.1, NM_001349429.1); short protein forms N594S, N619S, N313S.
Identifiers: ClinVar variation 4998426 (VCV004998426.1).